The following is an entry in ClinVar:

ClinVar aggregate classification (germline): Uncertain significance (1 of 4 stars; one submission).

gnomAD v4.1: 1 of 1,129,160 alleles (0.000089%); highest among the groups gnomAD compares: African/African-American, 0.0018%; no homozygotes.

Submission:

Women's Health and Genetics/Laboratory Corporation of America, LabCorp
Classification: Uncertain significance. Last evaluated: 2026-04-17. Review status: criteria provided, single submitter. Criteria: LabCorp Variant Classification Summary - May 2015. Collection method: clinical testing. Allele origin: germline.
Comment: Variant summary: IKBKG c.31T>C (p.Cys11Arg) results in a non-conservative amino acid change in the encoded protein sequence. Algorithms developed to predict the effect of missense changes on protein structure and function all suggest that this variant is likely to be disruptive. The variant was absent in 129077 control chromosomes. The available data on variant occurrences in the general population are insufficient to allow any conclusion about variant significance. To our knowledge, no occurrence of c.31T>C in individuals affected with IKBKG-related conditions and no experimental evidence demonstrating its impact on protein function have been reported. No submitters have cited clinical-significance assessments for this variant to ClinVar. Based on the evidence outlined above, the variant was classified as uncertain significance.

NM_001099857.5(IKBKG):c.31T>C (p.Cys11Arg)

Gene: IKBKG (inhibitor of nuclear factor kappa B kinase regulatory subunit gamma; plus strand). Cytogenetic location: Xq28.
Variant type: single nucleotide variant.
Coding change: c.31T>C on transcript NM_001099857.5 (MANE Select); coding-DNA position 31, T replaced by C.
Protein change: p.Cys11Arg; replaces cysteine 11 with arginine.
Molecular consequence: missense variant. On other transcripts: non-coding transcript variant (1).
Genome position (GRCh38, 1-based): chrX:154,552,033, T>C. VCF-style: chrX-154552033-T-C. GRCh37 (hg19) VCF-style: chrX-153780248-T-C.
Other names: c.235T>C, p.Cys79Arg (NM_001099856.6); c.31T>C, p.Cys11Arg (NM_001145255.4, NM_001321396.3, NM_001321397.3 and 5 more transcripts); short protein forms C11R, C79R.
Identifiers: ClinVar variation 4848460 (VCV004848460.1).